The following is an entry in ClinVar:

ClinVar aggregate classification (germline): Uncertain significance (1 of 4 stars; one submission).

Conditions:
Cardiovascular phenotype. Identifiers: MedGen CN230736.

Submission:

Ambry Genetics
Classification: Uncertain significance for Cardiovascular phenotype. Last evaluated: 2024-04-19. Review status: criteria provided, single submitter. Criteria: Ambry Variant Classification Scheme 2023. Collection method: clinical testing. Allele origin: germline.
Comment: The p.E216K variant (also known as c.646G>A), located in coding exon 3 of the FLNC gene, results from a G to A substitution at nucleotide position 646. The glutamic acid at codon 216 is replaced by lysine, an amino acid with similar properties. This amino acid position is conserved. In addition, the in silico prediction for this alteration is inconclusive. Based on the available evidence, the clinical significance of this variant remains unclear.

NM_001458.5(FLNC):c.646G>A (p.Glu216Lys)

Gene: FLNC (filamin C; plus strand). Cytogenetic location: 7q32.1.
Variant type: single nucleotide variant.
Coding change: c.646G>A on transcript NM_001458.5 (MANE Select); coding-DNA position 646, G replaced by A.
Protein change: p.Glu216Lys; replaces glutamic acid 216 with lysine.
Molecular consequence: missense variant.
Genome position (GRCh38, 1-based): chr7:128,837,204, G>A. VCF-style: chr7-128837204-G-A. GRCh37 (hg19) VCF-style: chr7-128477258-G-A.
Other names: c.646G>A, p.Glu216Lys (NM_001127487.2); short protein forms E216K.
Identifiers: ClinVar variation 3279212 (VCV003279212.1).